The following is an entry in ClinVar:

NM_138576.4(BCL11B):c.1060A>T (p.Met354Leu)

Gene: BCL11B (BCL11 transcription factor B; minus strand). Cytogenetic location: 14q32.2.
Variant type: single nucleotide variant.
Coding change: c.1060A>T on transcript NM_138576.4 (MANE Select); coding-DNA position 1060, A replaced by T.
Protein change: p.Met354Leu; replaces methionine 354 with leucine.
Molecular consequence: missense variant.
Genome position (GRCh38, 1-based): chr14:99,175,776, T>A on the plus strand (A>T on the coding strand, the complement: BCL11B is on the minus strand). VCF-style: chr14-99175776-T-A. GRCh37 (hg19) VCF-style: chr14-99642113-T-A.
Other names: c.1057A>T, p.Met353Leu (NM_001282237.2); c.844A>T, p.Met282Leu (NM_001282238.2); c.847A>T, p.Met283Leu (NM_022898.3); short protein forms M282L, M354L, M283L, M353L.
Identifiers: ClinVar variation 4764461 (VCV004764461.1).

ClinVar aggregate classification (germline): Uncertain significance (1 of 4 stars; one submission).

gnomAD v4.1: 2 of 1,471,716 alleles (0.00014%); highest among the groups gnomAD compares: Admixed American, 0.0026%; no homozygotes.

Submission:

Labcorp Genetics (formerly Invitae), Labcorp
Classification: Uncertain significance. Last evaluated: 2025-07-29. Review status: criteria provided, single submitter. Criteria: Invitae Variant Classification Sherloc (09022015). Collection method: clinical testing. Allele origin: germline.
Comment: This sequence change replaces methionine, which is neutral and non-polar, with leucine, which is neutral and non-polar, at codon 354 of the BCL11B protein (p.Met354Leu). This variant is not present in population databases (gnomAD no frequency). This variant has not been reported in the literature in individuals affected with BCL11B-related conditions. Invitae Evidence Modeling of protein sequence and biophysical properties (such as structural, functional, and spatial information, amino acid conservation, physicochemical variation, residue mobility, and thermodynamic stability) indicates that this missense variant is not expected to disrupt BCL11B protein function with a negative predictive value of 95%. In summary, the available evidence is currently insufficient to determine the role of this variant in disease. Therefore, it has been classified as a Variant of Uncertain Significance.